The following is an entry in ClinVar:

NM_194248.3(OTOF):c.1545del (p.Ile515fs)

Gene: OTOF (otoferlin; minus strand). Cytogenetic location: 2p23.3.
Variant type: Deletion.
Coding change: c.1545del on transcript NM_194248.3 (MANE Select); coding-DNA position 1545, one base deleted (T; older notation c.1545delT).
Protein change: p.Ile515fs; shifts the reading frame from isoleucine 515.
Molecular consequence: frameshift variant.
Genome position (GRCh38, 1-based): chr2:26,482,440, A deleted on the plus strand (T on the coding strand, the reverse complement: OTOF is on the minus strand); the first of 2 consecutive A bases (chr2:26,482,440-26,482,441); deleting either gives the same sequence. VCF-style (leftmost placement, unchanged base first): chr2-26482439-CA-C. GRCh37 (hg19) VCF-style: chr2-26705307-CA-C.
Other names: c.1545del, p.Ile515fs (NM_001287489.2); short protein forms I515fs.
Identifiers: ClinVar variation 3601524 (VCV003601524.1).

ClinVar aggregate classification (germline): Pathogenic (1 of 4 stars; one submission).

Conditions:
Autosomal recessive nonsyndromic hearing loss 9. Also called: NEUROSENSORY NONSYNDROMIC RECESSIVE DEAFNESS 9; OTOF-Related Hearing Loss; Deafness, autosomal recessive 9; AUDITORY NEUROPATHY, AUTOSOMAL RECESSIVE, 1, TEMPERATURE-SENSITIVE. Identifiers: Orphanet 90636, MedGen C1832828, MONDO:0010986, OMIM 601071.

Submission:

Institute of Rare Diseases, West China Hospital, Sichuan University
Classification: Pathogenic for Autosomal recessive nonsyndromic hearing loss 9. Last evaluated: 2025-01-09. Review status: criteria provided, single submitter. Criteria: ClinGen HL ACMG Specifications v1. Collection method: research. Allele origin: germline. Affected: yes.
Comment: PVS1;PM3;PP4;PM2_Supporting